The following is an entry in ClinVar:

NC_000023.10:g.(?_32756908)_(32834777_?)del

Gene: DMD (dystrophin; minus strand). Cytogenetic location: Xp21.1.
Variant type: Deletion.
Identifiers: ClinVar variation 3248450 (VCV003248450.1).

ClinVar aggregate classification (germline): Pathogenic (1 of 4 stars; one submission).

Conditions:
Duchenne muscular dystrophy (DMD). Also called: MUSCULAR DYSTROPHY, PSEUDOHYPERTROPHIC PROGRESSIVE, DUCHENNE TYPE; Duchenne Muscular Dystrophy (DMD). Identifiers: Orphanet 98896, MedGen C0013264, MONDO:0010679, OMIM 310200.

Submission:

Labcorp Genetics (formerly Invitae), Labcorp
Classification: Pathogenic for Duchenne muscular dystrophy. Last evaluated: 2022-08-03. Review status: criteria provided, single submitter. Criteria: Invitae Variant Classification Sherloc (09022015). Collection method: clinical testing. Allele origin: unknown.
Comment: This variant is a gross deletion of the genomic region encompassing exon(s) 6-7 of the DMD gene. This deletion is out-of-frame, and is expected to create a premature termination codon and result in an absent or disrupted protein product. Loss-of-function variants in DMD are known to be pathogenic (PMID: 16770791, 25007885). A similar copy number variant has been observed in individual(s) with DMD-related dystrophinopathy (PMID: 16030524). For these reasons, this variant has been classified as Pathogenic.

Literature cited by the submitters: PubMed 16770791; PubMed 25007885; PubMed 16030524.